The following is an entry in ClinVar:

ClinVar aggregate classification (germline): Uncertain significance. Review status: criteria provided, multiple submitters, no conflicts (2 of 4 stars). 2 submissions from 2 submitters: Uncertain significance (2). Last evaluated 2025-05-01.

Conditions:
Encephalopathy, acute, infection-induced (herpes-specific), susceptibility to, 6. Also called: Herpes simplex encephalitis, susceptibility to, 4. Identifiers: Orphanet 1930, MedGen C3553869, MONDO:0013921, OMIM 614850.

Allele frequency attached by ClinVar (database versions not stated): gnomAD 0.00014 and 0.00016; TOPMed 0.00010; ExAC 0.00029; 1000 Genomes Project 0.00020; gnomAD exomes 0.00014 and 0.00017; ESP Exome Variant Server 0.00015; 1000 Genomes Project 30x 0.00016.
gnomAD v4.1: 221 of 1,575,416 alleles (0.014%); highest among the groups gnomAD compares: Non-Finnish European, 0.014%; no homozygotes.

Submissions (2):

Ambry Genetics
Classification: Uncertain significance. Last evaluated: 2025-05-01. Review status: criteria provided, single submitter. Criteria: Ambry Variant Classification Scheme 2023. Collection method: clinical testing. Allele origin: germline.

Labcorp Genetics (formerly Invitae), Labcorp
Classification: Uncertain significance for Encephalopathy, acute, infection-induced (herpes-specific), susceptibility to, 6. Last evaluated: 2023-12-11. Review status: criteria provided, single submitter. Criteria: Invitae Variant Classification Sherloc (09022015). Collection method: clinical testing. Allele origin: germline.
Comment: This sequence change replaces proline, which is neutral and non-polar, with serine, which is neutral and polar, at codon 628 of the TICAM1 protein (p.Pro628Ser). This variant is present in population databases (rs3177471, gnomAD 0.1%). This variant has not been reported in the literature in individuals affected with TICAM1-related conditions. ClinVar contains an entry for this variant (Variation ID: 648127). An algorithm developed to predict the effect of missense changes on protein structure and function (PolyPhen-2) suggests that this variant is likely to be disruptive. In summary, the available evidence is currently insufficient to determine the role of this variant in disease. Therefore, it has been classified as a Variant of Uncertain Significance.

NM_182919.4(TICAM1):c.1882C>T (p.Pro628Ser)

Gene: TICAM1 (TIR domain containing adaptor molecule 1; minus strand). Cytogenetic location: 19p13.3.
Variant type: single nucleotide variant.
Coding change: c.1882C>T on transcript NM_182919.4 (MANE Select); coding-DNA position 1882, C replaced by T.
Protein change: p.Pro628Ser; replaces proline 628 with serine.
Molecular consequence: missense variant.
Genome position (GRCh38, 1-based): chr19:4,816,496, G>A on the plus strand (C>T on the coding strand, the complement: TICAM1 is on the minus strand). VCF-style: chr19-4816496-G-A. GRCh37 (hg19) VCF-style: chr19-4816508-G-A.
Other names: c.1882C>T (NM_182919.2); c.1840C>T, p.Pro614Ser (NM_001385678.1); c.1747C>T, p.Pro583Ser (NM_001385679.1); c.1240C>T, p.Pro414Ser (NM_001385680.1); short protein forms P628S, P414S, P583S, P614S.
Identifiers: ClinVar variation 648127 (VCV000648127.8), dbSNP rs3177471, ClinGen allele CA9105047.